The following is an entry in ClinVar:

NM_000414.4(HSD17B4):c.782A>C (p.Asn261Thr)

Gene: HSD17B4 (hydroxysteroid 17-beta dehydrogenase 4; plus strand). Cytogenetic location: 5q23.1.
Variant type: single nucleotide variant.
Coding change: c.782A>C on transcript NM_000414.4 (MANE Select); coding-DNA position 782, A replaced by C.
Protein change: p.Asn261Thr; replaces asparagine 261 with threonine.
Molecular consequence: missense variant. On other transcripts: non-coding transcript variant (2).
Genome position (GRCh38, 1-based): chr5:119,493,860, A>C. VCF-style: chr5-119493860-A-C. GRCh37 (hg19) VCF-style: chr5-118829555-A-C.
Other names: c.857A>C, p.Asn286Thr (NM_001199291.3); c.728A>C, p.Asn243Thr (NM_001199292.2); c.710A>C, p.Asn237Thr (NM_001292027.2); c.362A>C, p.Asn121Thr (NM_001292028.2); c.773A>C, p.Asn258Thr (NM_001374497.1); c.782A>C, p.Asn261Thr (NM_001374498.1); c.455A>C, p.Asn152Thr (NM_001374499.1); c.341A>C, p.Asn114Thr (NM_001374500.1); and 1 more; short protein forms N114T, N243T, N121T, N258T, N152T, N237T, N124T, N261T.
Identifiers: ClinVar variation 1469954 (VCV001469954.7), dbSNP rs763121959, ClinGen allele CA3381983.

ClinVar aggregate classification (germline): Uncertain significance. Review status: criteria provided, multiple submitters, no conflicts (2 of 4 stars). 3 submissions from 3 submitters: Uncertain significance (3). Last evaluated 2026-01-20.

Conditions:
Perrault syndrome. Also called: Gonadal dysgenesis with auditory dysfunction, autosomal recessive inheritance. Identifiers: Orphanet 2855, MedGen C0685838, MONDO:0017312.
Bifunctional peroxisomal enzyme deficiency (DBIF). Also called: DBP DEFICIENCY; D-bifunctional protein deficiency; PBFE DEFICIENCY. Identifiers: Orphanet 300, MedGen C0342870, MONDO:0009855, OMIM 261515. Disease mechanism: loss of function.
Inborn genetic diseases. Identifiers: MedGen C0950123, MeSH D030342.

Allele frequency attached by ClinVar (database versions not stated): gnomAD 0.00001; TOPMed 0.00002; gnomAD exomes 0.00005 and 0.00003; ExAC 0.00004.
gnomAD v4.1: 16 of 1,613,116 alleles (0.00099%); highest among the groups gnomAD compares: Admixed American, 0.027%; no homozygotes.

Submissions (3):

Labcorp Genetics (formerly Invitae), Labcorp
Classification: Uncertain significance for Perrault syndrome; Bifunctional peroxisomal enzyme deficiency. Last evaluated: 2026-01-20. Review status: criteria provided, single submitter. Criteria: Invitae Variant Classification Sherloc (09022015). Collection method: clinical testing. Allele origin: germline.
Comment: This sequence change replaces asparagine, which is neutral and polar, with threonine, which is neutral and polar, at codon 261 of the HSD17B4 protein (p.Asn261Thr). This variant is present in population databases (rs763121959, gnomAD 0.03%). This variant has not been reported in the literature in individuals affected with HSD17B4-related conditions. ClinVar contains an entry for this variant (Variation ID: 1469954). Invitae Evidence Modeling of protein sequence and biophysical properties (such as structural, functional, and spatial information, amino acid conservation, physicochemical variation, residue mobility, and thermodynamic stability) indicates that this missense variant is not expected to disrupt HSD17B4 protein function with a negative predictive value of 95%. In summary, the available evidence is currently insufficient to determine the role of this variant in disease. Therefore, it has been classified as a Variant of Uncertain Significance.

Ambry Genetics
Classification: Uncertain significance for Inborn genetic diseases. Last evaluated: 2025-11-12. Review status: criteria provided, single submitter. Criteria: Ambry Variant Classification Scheme 2023. Collection method: clinical testing. Allele origin: germline.

GeneDx
Classification: Uncertain significance. Last evaluated: 2025-05-06. Review status: criteria provided, single submitter. Criteria: GeneDx Variant Classification Process June 2021. Collection method: clinical testing. Allele origin: germline.
Comment: In silico analysis suggests that this missense variant does not alter protein structure/function; Has not been previously published as pathogenic or benign to our knowledge